The following is an entry in ClinVar:

NM_001372.4(DNAH9):c.12026A>C (p.Glu4009Ala)

Gene: DNAH9 (dynein axonemal heavy chain 9; plus strand). Cytogenetic location: 17p12.
Variant type: single nucleotide variant.
Coding change: c.12026A>C on transcript NM_001372.4 (MANE Select); coding-DNA position 12026, A replaced by C.
Protein change: p.Glu4009Ala; replaces glutamic acid 4009 with alanine.
Molecular consequence: missense variant.
Genome position (GRCh38, 1-based): chr17:11,930,014, A>C. VCF-style: chr17-11930014-A-C. GRCh37 (hg19) VCF-style: chr17-11833331-A-C.
Other names: c.12026A>C (NM_001372.3); c.962A>C, p.Glu321Ala (NM_004662.2); short protein forms E4009A, E321A.
Identifiers: ClinVar variation 1520339 (VCV001520339.7), dbSNP rs748448396, ClinGen allele CA8398027.
Genomic context (GRCh38, chr17:11,930,014, plus strand): 5'-TCATGAGTGCAGAGCCAGCACCCTCCCCTGAGGGCCACATCATCCCCCAGGGCATCCTGG[A>C]GAACTCCATTAAGATCACCAATGAGCCCCCCACGGGCATGCATGCCAACCTGCACAAGGC-3'
Protein context (NP_001363.2, residues 3999-4019): EGHIIPQGIL[Glu4009Ala]NSIKITNEPP

ClinVar aggregate classification (germline): Uncertain significance. Review status: criteria provided, multiple submitters, no conflicts (2 of 4 stars). 2 submissions from 2 submitters: Uncertain significance (2). Last evaluated 2025-08-23.

Conditions:
Inborn genetic diseases. Identifiers: MedGen C0950123, MeSH D030342.

Allele frequency attached by ClinVar (database versions not stated): ExAC 0.00002; gnomAD exomes 0.00002 and 0.00005; gnomAD 0.00003 and 0.00004; TOPMed 0.00004.
gnomAD v4.1: 81 of 1,614,026 alleles (0.005%); highest among the groups gnomAD compares: Non-Finnish European, 0.0066%; no homozygotes.

Submissions (2):

Ambry Genetics
Classification: Uncertain significance for Inborn genetic diseases. Last evaluated: 2025-08-23. Review status: criteria provided, single submitter. Criteria: Ambry Variant Classification Scheme 2023. Collection method: clinical testing. Allele origin: germline.

Labcorp Genetics (formerly Invitae), Labcorp
Classification: Uncertain significance. Last evaluated: 2023-07-17. Review status: criteria provided, single submitter. Criteria: Invitae Variant Classification Sherloc (09022015). Collection method: clinical testing. Allele origin: germline.
Comment: This sequence change replaces glutamic acid, which is acidic and polar, with alanine, which is neutral and non-polar, at codon 4009 of the DNAH9 protein (p.Glu4009Ala). This variant is present in population databases (rs748448396, gnomAD 0.006%). This variant has not been reported in the literature in individuals affected with DNAH9-related conditions. ClinVar contains an entry for this variant (Variation ID: 1520339). Advanced modeling of protein sequence and biophysical properties (such as structural, functional, and spatial information, amino acid conservation, physicochemical variation, residue mobility, and thermodynamic stability) has been performed at Invitae for this missense variant, however the output from this modeling did not meet the statistical confidence thresholds required to predict the impact of this variant on DNAH9 protein function. In summary, the available evidence is currently insufficient to determine the role of this variant in disease. Therefore, it has been classified as a Variant of Uncertain Significance.